The following is an entry in ClinVar:

ClinVar aggregate classification (germline): Uncertain significance (1 of 4 stars; one submission).

Conditions:
RASopathy. Also called: rasopathies; Noonan spectrum disorder. Identifiers: Orphanet 536391, MedGen C5555857, MONDO:0021060.

Submission:

Labcorp Genetics (formerly Invitae), Labcorp
Classification: Uncertain significance for RASopathy. Last evaluated: 2022-05-01. Review status: criteria provided, single submitter. Criteria: Invitae Variant Classification Sherloc (09022015). Collection method: clinical testing. Allele origin: germline.
Comment: In summary, the available evidence is currently insufficient to determine the role of this variant in disease. Therefore, it has been classified as a Variant of Uncertain Significance. Variants that disrupt the consensus splice site are a relatively common cause of aberrant splicing (PMID: 17576681, 9536098). Algorithms developed to predict the effect of sequence changes on RNA splicing suggest that this variant is not likely to affect RNA splicing. This variant has not been reported in the literature in individuals affected with SOS1-related conditions. This variant is not present in population databases (gnomAD no frequency). This sequence change falls in intron 2 of the SOS1 gene. It does not directly change the encoded amino acid sequence of the SOS1 protein. It affects a nucleotide within the consensus splice site.

Literature cited by the submitters: PubMed 17576681; PubMed 9536098.

NM_005633.4(SOS1):c.213+4T>A

Gene: SOS1 (SOS Ras/Rac guanine nucleotide exchange factor 1; minus strand). Cytogenetic location: 2p22.1.
Variant type: single nucleotide variant.
Coding change: c.213+4T>A on transcript NM_005633.4 (MANE Select); 4 bases into the intron after coding-DNA position 213, T replaced by A.
Molecular consequence: intron variant.
Genome position (GRCh38, 1-based): chr2:39,067,624, A>T on the plus strand (T>A on the coding strand, the complement: SOS1 is on the minus strand). VCF-style: chr2-39067624-A-T. GRCh37 (hg19) VCF-style: chr2-39294765-A-T.
Other names: c.192+4T>A (NM_001382394.1); c.213+4T>A (NM_001382395.1).
Identifiers: ClinVar variation 2132492 (VCV002132492.4), dbSNP rs1325380102, ClinGen allele CA2580066449.
Genomic context (GRCh38, chr2:39,067,624, plus strand): 5'-CACTGACATTACAACCAACACACAAATTAGATATAAAGTAAATACAAGACAACATTTGTC[A>T]TACCTCTACATCTGAAGCACTTCGGGGCTGAGCTTGGCATAGCATATTTAATAATTGCAA-3'